The following is an entry in ClinVar:

NM_001371986.1(UNC80):c.579del (p.Leu195fs)

Gene: UNC80 (unc-80 homolog, NALCN channel complex subunit; plus strand). Cytogenetic location: 2q34.
Variant type: Deletion.
Coding change: c.579del on transcript NM_001371986.1 (MANE Select); coding-DNA position 579, one base deleted (T; older notation c.579delT).
Protein change: p.Leu195fs; shifts the reading frame from leucine 195.
Molecular consequence: frameshift variant.
Genome position (GRCh38, 1-based): chr2:209,777,538, T deleted. VCF-style (leftmost placement, unchanged base first): chr2-209777537-CT-C. GRCh37 (hg19) VCF-style: chr2-210642261-CT-C.
Other names: c.579del, p.Leu195fs (NM_032504.2, NM_182587.4); short protein forms L195fs.
Identifiers: ClinVar variation 1304888 (VCV001304888.2), dbSNP rs749223874, ClinGen allele CA2082766.

ClinVar aggregate classification (germline): Uncertain significance (1 of 4 stars; one submission).

Allele frequency attached by ClinVar (database versions not stated): ExAC 0.00001; gnomAD 0.00003; TOPMed 0.00001; gnomAD exomes below 0.00001.

Submission:

GeneDx
Classification: Uncertain significance. Last evaluated: 2019-09-06. Review status: criteria provided, single submitter. Criteria: GeneDx Variant Classification Process June 2021. Collection method: clinical testing. Allele origin: germline. Affected: yes.
Comment: Frameshift variant predicted to result in protein truncation or nonsense mediated decay in a gene for which loss-of-function is a known mechanism of disease; Has not been previously published as pathogenic or benign to our knowledge